The following is an entry in ClinVar:

NM_213618.2(DENND2B):c.518G>T (p.Gly173Val)

Gene: DENND2B (DENN domain containing 2B; minus strand). Cytogenetic location: 11p15.4.
Variant type: single nucleotide variant.
Coding change: c.518G>T on transcript NM_213618.2 (MANE Select); coding-DNA position 518, G replaced by T.
Protein change: p.Gly173Val; replaces glycine 173 with valine.
Molecular consequence: missense variant. On other transcripts: 5 prime UTR variant (1), non-coding transcript variant (6), intron variant (8).
Genome position (GRCh38, 1-based): chr11:8,730,772, C>A on the plus strand (G>T on the coding strand, the complement: DENND2B is on the minus strand). VCF-style: chr11-8730772-C-A. GRCh37 (hg19) VCF-style: chr11-8752319-C-A.
Other names: c.518G>T, p.Gly173Val (NM_001376495.1, NM_001376496.1, NM_001376497.1 and 2 more transcripts); c.-23G>T (NM_001376499.1); c.81-4563G>T (NM_139157.3, NM_001376504.1, NM_001376503.1 and 2 more transcripts); c.-107-12880G>T (NM_001376505.1); c.-244-4563G>T (NM_001376506.1); c.-12-152G>T (NM_001376500.1); short protein forms G173V.
Identifiers: ClinVar variation 5008413 (VCV005008413.1).

ClinVar aggregate classification (germline): Uncertain significance (1 of 4 stars; one submission).

Submission:

GeneDx
Classification: Uncertain significance. Last evaluated: 2026-02-19. Review status: criteria provided, single submitter. Criteria: GeneDx Variant Classification Process June 2021. Collection method: clinical testing. Allele origin: germline.
Comment: Not observed at significant frequency in large population cohorts (gnomAD); In silico analysis supports that this missense variant has a deleterious effect on protein structure/function; Has not been previously published as pathogenic or benign to our knowledge